The following is an entry in ClinVar:

NM_016562.4(TLR7):c.2170A>C (p.Ser724Arg)

Gene: TLR7 (toll like receptor 7; plus strand). Cytogenetic location: Xp22.2.
Variant type: single nucleotide variant.
Coding change: c.2170A>C on transcript NM_016562.4 (MANE Select); coding-DNA position 2170, A replaced by C.
Protein change: p.Ser724Arg; replaces serine 724 with arginine.
Molecular consequence: missense variant.
Genome position (GRCh38, 1-based): chrX:12,887,678, A>C. VCF-style: chrX-12887678-A-C. GRCh37 (hg19) VCF-style: chrX-12905797-A-C.
Other names: c.2170A>C (NM_016562.3); short protein forms S724R.
Identifiers: ClinVar variation 2865502 (VCV002865502.4), dbSNP rs200243316, ClinGen allele CA326797140.
Genomic context (GRCh38, chrX:12,887,678, plus strand): 5'-TTGGACCTCAGCCACAACCAACTGACCACTGTCCCTGAGAGATTATCCAACTGTTCCAGA[A>C]GCCTCAAGAATCTGATTCTTAAGAATAATCAAATCAGGAGTCTGACGAAGTATTTTCTAC-3'
Protein context (NP_057646.1, residues 714-734): VPERLSNCSR[Ser724Arg]LKNLILKNNQ

ClinVar aggregate classification (germline): Uncertain significance. Review status: criteria provided, multiple submitters, no conflicts (2 of 4 stars). 2 submissions from 2 submitters: Uncertain significance (2). Last evaluated 2025-12-08.

Allele frequency attached by ClinVar (database versions not stated): gnomAD exomes 0.00004; ESP Exome Variant Server 0.00009; gnomAD 0.00001; TOPMed 0.00001.
gnomAD v4.1: 49 of 1,210,009 alleles (0.004%); highest among the groups gnomAD compares: Non-Finnish European, 0.0054%; no homozygotes.

Submissions (2):

Labcorp Genetics (formerly Invitae), Labcorp
Classification: Uncertain significance. Last evaluated: 2025-12-08. Review status: criteria provided, single submitter. Criteria: Invitae Variant Classification Sherloc (09022015). Collection method: clinical testing. Allele origin: germline.
Comment: This sequence change replaces serine, which is neutral and polar, with arginine, which is basic and polar, at codon 724 of the TLR7 protein (p.Ser724Arg). This variant is present in population databases (rs200243316, gnomAD 0.001%). This variant has not been reported in the literature in individuals affected with TLR7-related conditions. ClinVar contains an entry for this variant (Variation ID: 2865502). An algorithm developed to predict the effect of missense changes on protein structure and function (PolyPhen-2) suggests that this variant is likely to be disruptive. In summary, the available evidence is currently insufficient to determine the role of this variant in disease. Therefore, it has been classified as a Variant of Uncertain Significance.

Ambry Genetics
Classification: Uncertain significance. Last evaluated: 2025-11-20. Review status: criteria provided, single submitter. Criteria: Ambry Variant Classification Scheme 2023. Collection method: clinical testing. Allele origin: germline.